The following is an entry in ClinVar:

NM_004385.5(VCAN):c.6879_6881del (p.Ser2295del)

Genes: VCAN (versican; plus strand), VCAN-AS1 (VCAN antisense RNA 1; minus strand). Cytogenetic location: 5q14.3.
Variant type: Deletion.
Coding change: c.6879_6881del on transcript NM_004385.5 (MANE Select); coding-DNA positions 6879 to 6881, 3 bases deleted (CTC; older notation c.6879_6881delCTC).
Protein change: p.Ser2295del; deletes serine 2295.
Molecular consequence: inframe deletion. On other transcripts: intron variant (2).
Genome position (GRCh38, 1-based): chr5:83,539,882-83,539,884, CTC deleted; deleting any 3 consecutive bases within chr5:83,539,881-83,539,884 gives the same sequence; the c. name uses the placement nearest the transcript's 3' end. VCF-style (leftmost placement, unchanged base first): chr5-83539880-ACCT-A. GRCh37 (hg19) VCF-style: chr5-82835699-ACCT-A.
Other names: c.3918_3920del, p.Ser1308del (NM_001164097.2); c.4004-5655_4004-5653del (NM_001164098.2); c.1043-5655_1043-5653del (NM_001126336.3); short protein forms S2295del, S1308del.
Identifiers: ClinVar variation 2787789 (VCV002787789.3), dbSNP rs1746896935, ClinGen allele CA1078165642.

ClinVar aggregate classification (germline): Uncertain significance (1 of 4 stars; one submission).

Submission:

Labcorp Genetics (formerly Invitae), Labcorp
Classification: Uncertain significance. Last evaluated: 2023-06-20. Review status: criteria provided, single submitter. Criteria: Invitae Variant Classification Sherloc (09022015). Collection method: clinical testing. Allele origin: germline.
Comment: This variant has not been reported in the literature in individuals affected with VCAN-related conditions. Experimental studies and prediction algorithms are not available or were not evaluated, and the functional significance of this variant is currently unknown. In summary, the available evidence is currently insufficient to determine the role of this variant in disease. Therefore, it has been classified as a Variant of Uncertain Significance. This variant is not present in population databases (gnomAD no frequency). This variant, c.6879_6881del, results in the deletion of 1 amino acid(s) of the VCAN protein (p.Ser2295del), but otherwise preserves the integrity of the reading frame.